The following is an entry in ClinVar:

NM_000374.5(UROD):c.70T>G (p.Trp24Gly)

Gene: UROD (uroporphyrinogen decarboxylase; plus strand). Cytogenetic location: 1p34.1.
Variant type: single nucleotide variant.
Coding change: c.70T>G on transcript NM_000374.5 (MANE Select); coding-DNA position 70, T replaced by G.
Protein change: p.Trp24Gly; replaces tryptophan 24 with glycine.
Molecular consequence: missense variant. On other transcripts: non-coding transcript variant (3).
Genome position (GRCh38, 1-based): chr1:45,012,956, T>G. VCF-style: chr1-45012956-T-G. GRCh37 (hg19) VCF-style: chr1-45478628-T-G.
Other names: short protein forms W24G.
Identifiers: ClinVar variation 1683505 (VCV001683505.5), dbSNP rs11541966, ClinGen allele CA340115751.

ClinVar aggregate classification (germline): Uncertain significance. Review status: criteria provided, multiple submitters, no conflicts (2 of 4 stars). 2 submissions from 2 submitters: Uncertain significance (2). Last evaluated 2025-06-12.

Conditions:
Familial porphyria cutanea tarda (PCT). Also called: PCT, TYPE II; PORPHYRIA CUTANEA TARDA, TYPE II; PORPHYRIA, HEPATOCUTANEOUS TYPE; UROD DEFICIENCY; UROPORPHYRINOGEN DECARBOXYLASE DEFICIENCY; PCT, ''FAMILIAL'' TYPE. Identifiers: Orphanet 101330, Orphanet 443062, MedGen C0268323, MONDO:0008296, OMIM 176100.

Submissions (2):

Labcorp Genetics (formerly Invitae), Labcorp
Classification: Uncertain significance. Last evaluated: 2025-06-12. Review status: criteria provided, single submitter. Criteria: Invitae Variant Classification Sherloc (09022015). Collection method: clinical testing. Allele origin: germline.
Comment: This sequence change replaces tryptophan, which is neutral and slightly polar, with glycine, which is neutral and non-polar, at codon 24 of the UROD protein (p.Trp24Gly). This variant is not present in population databases (gnomAD no frequency). This missense change has been observed in individual(s) with clinical features of UROD-related conditions (internal data). ClinVar contains an entry for this variant (Variation ID: 1683505). Invitae Evidence Modeling of protein sequence and biophysical properties (such as structural, functional, and spatial information, amino acid conservation, physicochemical variation, residue mobility, and thermodynamic stability) indicates that this missense variant is not expected to disrupt UROD protein function with a negative predictive value of 80%. In summary, the available evidence is currently insufficient to determine the role of this variant in disease. Therefore, it has been classified as a Variant of Uncertain Significance.

Laboratorio de Genetica e Diagnostico Molecular, Hospital Israelita Albert Einstein
Classification: Uncertain significance for Familial porphyria cutanea tarda. Last evaluated: 2022-01-24. Review status: criteria provided, single submitter. Criteria: ACMG Guidelines, 2015. Collection method: clinical testing. Allele origin: germline. Affected: yes.
Comment: ACMG classification criteria: PM2 moderate, PM3 supporting